The following is an entry in ClinVar:

ClinVar aggregate classification (germline): Uncertain significance. Review status: criteria provided, multiple submitters, no conflicts (2 of 4 stars). 2 submissions from 2 submitters: Uncertain significance (2). Last evaluated 2026-01-29.

Conditions:
Fanconi anemia (FA). Also called: Fanconi's anemia. Identifiers: Orphanet 84, MedGen C0015625, MeSH D005199, MONDO:0019391.

Allele frequency attached by ClinVar (database versions not stated): ExAC 0.00001; gnomAD 0.00001; gnomAD exomes 0.00001 and 0.00002; TOPMed 0.00001; ESP Exome Variant Server 0.00008.
gnomAD v4.1: 14 of 1,608,286 alleles (0.00087%); highest among the groups gnomAD compares: East Asian, 0.029%; no homozygotes.

Submissions (2):

Labcorp Genetics (formerly Invitae), Labcorp
Classification: Uncertain significance for Fanconi anemia. Last evaluated: 2026-01-29. Review status: criteria provided, single submitter. Criteria: Invitae Variant Classification Sherloc (09022015). Collection method: clinical testing. Allele origin: germline.
Comment: This sequence change falls in intron 2 of the FANCA gene. It does not directly change the encoded amino acid sequence of the FANCA protein. It affects a nucleotide within the consensus splice site. This variant is present in population databases (rs374822922, gnomAD 0.02%). This variant has not been reported in the literature in individuals affected with FANCA-related conditions. ClinVar contains an entry for this variant (Variation ID: 1386357). Variants that disrupt the consensus splice site are a relatively common cause of aberrant splicing (PMID: 17576681, 9536098). Algorithms developed to predict the effect of sequence changes on RNA splicing suggest that this variant may disrupt the consensus splice site. In summary, the available evidence is currently insufficient to determine the role of this variant in disease. Therefore, it has been classified as a Variant of Uncertain Significance.

Blueprint Genetics
Classification: Uncertain significance. Last evaluated: 2023-06-30. Review status: criteria provided, single submitter. Criteria: ACMG Guidelines, 2015. Collection method: clinical testing. Allele origin: germline.

Literature cited by the submitters: PubMed 17576681 (cited by Labcorp Genetics (formerly Invitae), Labcorp); PubMed 9536098 (cited by Labcorp Genetics (formerly Invitae), Labcorp).

NM_000135.4(FANCA):c.189+4A>G

Gene: FANCA (FA complementation group A; minus strand). Cytogenetic location: 16q24.3.
Variant type: single nucleotide variant.
Coding change: c.189+4A>G on transcript NM_000135.4 (MANE Select); 4 bases into the intron after coding-DNA position 189, A replaced by G.
Molecular consequence: intron variant.
Genome position (GRCh38, 1-based): chr16:89,815,873, T>C on the plus strand (A>G on the coding strand, the complement: FANCA is on the minus strand). VCF-style: chr16-89815873-T-C. GRCh37 (hg19) VCF-style: chr16-89882281-T-C.
Other names: c.189+4A>G (NM_001286167.3, NM_001351830.2, NM_001018112.3).
Identifiers: ClinVar variation 1386357 (VCV001386357.5), dbSNP rs374822922, ClinGen allele CA8253150.